The following is an entry in ClinVar:

NM_001130438.3(SPTAN1):c.5707T>G (p.Tyr1903Asp)

Gene: SPTAN1 (spectrin alpha, non-erythrocytic 1; plus strand). Cytogenetic location: 9q34.11.
Variant type: single nucleotide variant.
Coding change: c.5707T>G on transcript NM_001130438.3 (MANE Select); coding-DNA position 5707, T replaced by G.
Protein change: p.Tyr1903Asp; replaces tyrosine 1903 with aspartic acid.
Molecular consequence: missense variant.
Genome position (GRCh38, 1-based): chr9:128,618,977, T>G. VCF-style: chr9-128618977-T-G. GRCh37 (hg19) VCF-style: chr9-131381256-T-G.
Other names: c.5707T>G, p.Tyr1903Asp (NM_001375311.2, NM_001375313.1, NM_001363759.2 and 1 more transcripts); c.5743T>G, p.Tyr1915Asp (NM_001375312.2, NM_001375318.1, NM_001438440.1); c.5647T>G, p.Tyr1883Asp (NM_001375314.2, NM_001438442.1, NM_001363765.2); c.5632T>G, p.Tyr1878Asp (NM_001438441.1, NM_001195532.2, NM_001438444.1); c.5692T>G, p.Tyr1898Asp (NM_001438443.1, NM_001438445.1, NM_003127.4); short protein forms Y1878D, Y1883D, Y1898D, Y1903D, Y1915D.
Identifiers: ClinVar variation 4875158 (VCV004875158.2).
Genomic context (GRCh38, chr9:128,618,977, plus strand): 5'-AATGTGGAAGAGGAAGAAGCCTGGATCAATGAGAAAATGACCCTGGTGGCCAGCGAAGAT[T>G]ATGGCGACACTCTTGCCGCCATCCAGGTGAGACAGAAACCAAAGGTGTCACCTGCTTTCT-3'
Protein context (NP_001123910.1, residues 1893-1913): EKMTLVASED[Tyr1903Asp]GDTLAAIQGL

ClinVar aggregate classification (germline): Uncertain significance (1 of 4 stars; one submission).

Submission:

CeGaT Center for Human Genetics Tuebingen
Classification: Uncertain significance. Last evaluated: 2026-06-01. Review status: criteria provided, single submitter. Criteria: CeGaT Center For Human Genetics Tuebingen Variant Classification Criteria Version 2. Collection method: clinical testing. Allele origin: germline. Affected: yes. Observed: 1 variant allele.
Comment: SPTAN1: PM2